The following is an entry in ClinVar:

NM_001256545.2(MEGF10):c.1894G>A (p.Val632Ile)

Gene: MEGF10 (multiple EGF like domains 10; plus strand). Cytogenetic location: 5q23.2.
Variant type: single nucleotide variant.
Coding change: c.1894G>A on transcript NM_001256545.2 (MANE Select); coding-DNA position 1894, G replaced by A.
Protein change: p.Val632Ile; replaces valine 632 with isoleucine.
Molecular consequence: missense variant.
Genome position (GRCh38, 1-based): chr5:127,434,740, G>A. VCF-style: chr5-127434740-G-A. GRCh37 (hg19) VCF-style: chr5-126770432-G-A.
Other names: c.1894G>A, p.Val632Ile (NM_032446.3); short protein forms V632I.
Identifiers: ClinVar variation 665120 (VCV000665120.9), dbSNP rs561610841, ClinGen allele CA3391778.

ClinVar aggregate classification (germline): Uncertain significance (1 of 4 stars; one submission).

Conditions:
MEGF10-related myopathy (CMYO10A). Also called: Congenital myopathy 10A, severe variant. Identifiers: Orphanet 439212, MedGen C3280679, MONDO:0013731, OMIM 614399.

Allele frequency attached by ClinVar (database versions not stated): ExAC 0.00002; gnomAD exomes 0.00002 and 0.00003; TOPMed 0.00002; gnomAD 0.00003; 1000 Genomes Project 30x 0.00016; 1000 Genomes Project 0.00020.
gnomAD v4.1: 31 of 1,613,984 alleles (0.0019%); highest among the groups gnomAD compares: African/African-American, 0.008%; no homozygotes.

Submission:

Labcorp Genetics (formerly Invitae), Labcorp
Classification: Uncertain significance for MEGF10-related myopathy. Last evaluated: 2024-12-05. Review status: criteria provided, single submitter. Criteria: Invitae Variant Classification Sherloc (09022015). Collection method: clinical testing. Allele origin: germline.
Comment: This sequence change replaces valine, which is neutral and non-polar, with isoleucine, which is neutral and non-polar, at codon 632 of the MEGF10 protein (p.Val632Ile). This variant is present in population databases (rs561610841, gnomAD 0.006%). This variant has not been reported in the literature in individuals affected with MEGF10-related conditions. ClinVar contains an entry for this variant (Variation ID: 665120). An algorithm developed to predict the effect of missense changes on protein structure and function (PolyPhen-2) suggests that this variant is likely to be disruptive. In summary, the available evidence is currently insufficient to determine the role of this variant in disease. Therefore, it has been classified as a Variant of Uncertain Significance.